The following is an entry in ClinVar:

NM_000199.5(SGSH):c.1159G>A (p.Val387Met)

Gene: SGSH (N-sulfoglucosamine sulfohydrolase; minus strand). Cytogenetic location: 17q25.3.
Variant type: single nucleotide variant.
Coding change: c.1159G>A on transcript NM_000199.5 (MANE Select); coding-DNA position 1159, G replaced by A.
Protein change: p.Val387Met; replaces valine 387 with methionine.
Molecular consequence: missense variant. On other transcripts: 3 prime UTR variant (2), non-coding transcript variant (1).
Genome position (GRCh38, 1-based): chr17:80,210,802, C>T on the plus strand (G>A on the coding strand, the complement: SGSH is on the minus strand). VCF-style: chr17-80210802-C-T. GRCh37 (hg19) VCF-style: chr17-78184601-C-T.
Other names: c.*246G>A (NM_001352921.3); c.*209G>A (NM_001352922.2); short protein forms V387M.
Identifiers: ClinVar variation 92609 (VCV000092609.60), dbSNP rs62620232, ClinGen allele CA145860.

ClinVar aggregate classification (germline): Benign/Likely benign. Review status: criteria provided, multiple submitters, no conflicts (2 of 4 stars). 14 submissions from 14 submitters: Benign (8); Likely benign (2). 4 of the submissions do not count toward it. Last evaluated 2026-03-01.

Conditions:
Mucopolysaccharidosis, MPS-III-A (MPS3A). Also called: Mucopolysaccharidosis type IIIA (Sanfilippo A); Mucopolysaccharidosis, type IIIA; HEPARAN SULFATE SULFATASE DEFICIENCY; mucopolysaccharidosis type 3A; MPS IIIA (Sanfilippo Syndrome Type A); SANFILIPPO SYNDROME A. Identifiers: Orphanet 581, Orphanet 79269, MedGen C0086647, MONDO:0009655, OMIM 252900.

Allele frequency attached by ClinVar (database versions not stated): TOPMed 0.00779; ExAC 0.01328; 1000 Genomes Project 30x 0.00953; 1000 Genomes Project 0.01018; ESP Exome Variant Server 0.00746.

Submissions (14):

CeGaT Center for Human Genetics Tuebingen
Classification: Benign. Last evaluated: 2026-03-01. Review status: criteria provided, single submitter. Criteria: CeGaT Center For Human Genetics Tuebingen Variant Classification Criteria Version 2. Collection method: clinical testing. Allele origin: germline. Affected: yes. Observed: 15 variant alleles.
Comment: SGSH: PM5, BP4, BS1, BS2

Labcorp Genetics (formerly Invitae), Labcorp
Classification: Benign for Mucopolysaccharidosis, MPS-III-A. Last evaluated: 2026-02-04. Review status: criteria provided, single submitter. Criteria: Invitae Variant Classification Sherloc (09022015). Collection method: clinical testing. Allele origin: germline.

Women's Health and Genetics/Laboratory Corporation of America, LabCorp
Classification: Likely benign. Last evaluated: 2021-12-10. Review status: criteria provided, single submitter. Criteria: LabCorp Variant Classification Summary - May 2015. Collection method: clinical testing. Allele origin: germline.

Genome-Nilou Lab
Classification: Benign for Mucopolysaccharidosis, MPS-III-A. Last evaluated: 2021-11-07. Review status: criteria provided, single submitter. Criteria: ACMG Guidelines, 2015. Collection method: clinical testing. Allele origin: germline. Affected: no.

Mendelics
Classification: Benign. Last evaluated: 2019-05-28. Review status: criteria provided, single submitter. Criteria: Mendelics Assertion Criteria 2017. Collection method: clinical testing. Allele origin: unknown.

Illumina Laboratory Services, Illumina
Classification: Benign for Mucopolysaccharidosis, MPS-III-A. Last evaluated: 2018-01-13. Review status: criteria provided, single submitter. Criteria: ICSL Variant Classification Criteria 13 December 2019. Collection method: clinical testing. Allele origin: germline.
Comment: This variant was observed in the ICSL laboratory as part of a predisposition screen in an ostensibly healthy population. It had not been previously curated by ICSL or reported in the Human Gene Mutation Database (HGMD: prior to June 1st, 2018), and was therefore a candidate for classification through an automated scoring system. Utilizing variant allele frequency, disease prevalence and penetrance estimates, and inheritance mode, an automated score was calculated to assess if this variant is too frequent to cause the disease. Based on the score and internal cut-off values, a variant classified as benign is not then subjected to further curation. The score for this variant resulted in a classification of benign for this disease.

GeneDx
Classification: Benign. Last evaluated: 2017-11-30. Review status: criteria provided, single submitter. Criteria: GeneDx Variant Classification (06012015). Collection method: clinical testing. Allele origin: germline. Affected: yes.
Comment: This variant is considered likely benign or benign based on one or more of the following criteria: it is a conservative change, it occurs at a poorly conserved position in the protein, it is predicted to be benign by multiple in silico algorithms, and/or has population frequency not consistent with disease.

Eurofins Ntd Llc (ga)
Classification: Benign. Last evaluated: 2013-10-23. Review status: criteria provided, single submitter. Criteria: EGL Classification Definitions 2015. Collection method: clinical testing. Allele origin: germline. Observed: 3 variant alleles, 3 heterozygotes.

Breakthrough Genomics
Classification: Likely benign. Review status: criteria provided, single submitter. Criteria: ACMG Guidelines, 2015. Collection method: not provided. Allele origin: germline. Inheritance: Autosomal recessive inheritance. Affected: yes.

PreventionGenetics, part of Exact Sciences
Classification: Benign. Review status: criteria provided, single submitter. Criteria: ACMG Guidelines, 2015. Collection method: clinical testing. Allele origin: germline.

Natera, Inc.
Classification: Likely benign for Mucopolysaccharidosis type IIIA. Last evaluated: 2019-11-12. Review status: no assertion criteria provided. Collection method: clinical testing. Allele origin: germline. Not counted in ClinVar's aggregate classification.

Mayo Clinic Laboratories, Mayo Clinic
Classification: Benign. Last evaluated: 2017-09-27. Review status: no assertion criteria provided. Collection method: clinical testing. Allele origin: unknown. Not counted in ClinVar's aggregate classification.

Clinical Genetics, Academic Medical Center
Classification: Likely benign. Review status: no assertion criteria provided. Collection method: clinical testing. Allele origin: germline. Affected: yes. Study: VKGL Data-share Consensus. Not counted in ClinVar's aggregate classification.

Laboratory of Diagnostic Genome Analysis, Leiden University Medical Center (LUMC)
Classification: Likely benign. Review status: no assertion criteria provided. Collection method: clinical testing. Allele origin: germline. Affected: yes. Study: VKGL Data-share Consensus. Not counted in ClinVar's aggregate classification.